The following is an entry in ClinVar:

ClinVar aggregate classification (germline): Uncertain significance (1 of 4 stars; one submission).

Conditions:
Hereditary cancer-predisposing syndrome. Also called: Hereditary Cancer Syndrome; Hereditary neoplastic syndrome; Neoplastic Syndromes, Hereditary; Tumor predisposition. Identifiers: Orphanet 140162, MedGen C0027672, MeSH D009386, MONDO:0015356.

Submission:

Ambry Genetics
Classification: Uncertain significance for Hereditary cancer-predisposing syndrome. Last evaluated: 2026-07-20. Review status: criteria provided, single submitter. Criteria: Ambry Variant Classification Scheme 2023. Collection method: clinical testing. Allele origin: germline.
Comment: The p.G203V variant (also known as c.608G>T), located in coding exon 6 of the SDHB gene, results from a G to T substitution at nucleotide position 608. The glycine at codon 203 is replaced by valine, an amino acid with dissimilar properties. This amino acid position is well conserved in available vertebrate species. In addition, this alteration is predicted to be deleterious by in silico analysis. Since supporting evidence is limited at this time, the clinical significance of this alteration remains unclear.

NM_003000.3(SDHB):c.608G>T (p.Gly203Val)

Gene: SDHB (succinate dehydrogenase complex iron sulfur subunit B; minus strand). Cytogenetic location: 1p36.13.
Variant type: single nucleotide variant.
Coding change: c.608G>T on transcript NM_003000.3 (MANE Select); coding-DNA position 608, G replaced by T.
Protein change: p.Gly203Val; replaces glycine 203 with valine.
Molecular consequence: missense variant.
Genome position (GRCh38, 1-based): chr1:17,024,007, C>A on the plus strand (G>T on the coding strand, the complement: SDHB is on the minus strand). VCF-style: chr1-17024007-C-A. GRCh37 (hg19) VCF-style: chr1-17350502-C-A.
Other names: c.554G>T, p.Gly185Val (NM_001407361.1); short protein forms G185V, G203V.
Identifiers: ClinVar variation 1751503 (VCV001751503.3), dbSNP rs1553177435, ClinGen allele CA338271011.